The following is an entry in ClinVar:

ClinVar aggregate classification (germline): Uncertain significance (1 of 4 stars; one submission).

Allele frequency attached by ClinVar (database versions not stated): gnomAD 0.00009; ExAC 0.00012; TOPMed 0.00012; ESP Exome Variant Server 0.00031.

Submission:

GeneDx
Classification: Uncertain significance. Last evaluated: 2022-07-22. Review status: criteria provided, single submitter. Criteria: GeneDx Variant Classification Process June 2021. Collection method: clinical testing. Allele origin: germline. Affected: yes.
Comment: In silico analysis supports that this missense variant has a deleterious effect on protein structure/function; Has not been previously published as pathogenic or benign to our knowledge

NM_001005388.3(NFASC):c.2500C>T (p.Arg834Trp)

Gene: NFASC (neurofascin; plus strand). Cytogenetic location: 1q32.1.
Variant type: single nucleotide variant.
Coding change: c.2500C>T on transcript NM_001005388.3 (MANE Select); coding-DNA position 2500, C replaced by T.
Protein change: p.Arg834Trp; replaces arginine 834 with tryptophan.
Molecular consequence: missense variant.
Genome position (GRCh38, 1-based): chr1:204,987,447, C>T. VCF-style: chr1-204987447-C-T. GRCh37 (hg19) VCF-style: chr1-204956575-C-T.
Other names: c.2854C>T, p.Arg952Trp (NM_001160331.2); c.2809C>T, p.Arg937Trp (NM_001160332.2, NM_015090.4); c.2488C>T, p.Arg830Trp (NM_001365986.1); c.2821C>T, p.Arg941Trp (NM_001378329.1); short protein forms R834W, R952W, R830W, R937W, R941W.
Identifiers: ClinVar variation 2136275 (VCV002136275.1), dbSNP rs200848203, ClinGen allele CA1350374.